The following is an entry in ClinVar:

NM_019842.4(KCNQ5):c.1248-3625G>C

Gene: KCNQ5 (potassium voltage-gated channel subfamily Q member 5; plus strand). Cytogenetic location: 6q13.
Variant type: single nucleotide variant.
Coding change: c.1248-3625G>C on transcript NM_019842.4 (MANE Select); 3625 bases into the intron before coding-DNA position 1248, G replaced by C.
Molecular consequence: intron variant. On other transcripts: missense variant (2).
Genome position (GRCh38, 1-based): chr6:73,129,796, G>C. VCF-style: chr6-73129796-G-C. GRCh37 (hg19) VCF-style: chr6-73839519-G-C.
Other names: c.1224G>C, p.Lys408Asn (NM_001160132.2); c.1251G>C, p.Lys417Asn (NM_001160133.2); c.1247+5284G>C (NM_001160134.2); c.1221-3625G>C (NM_001160130.2); short protein forms K408N, K417N.
Identifiers: ClinVar variation 3673069 (VCV003673069.2).

ClinVar aggregate classification (germline): Uncertain significance (1 of 4 stars; one submission).

gnomAD v4.1: 1 of 1,612,520 alleles (0.000062%); highest among the groups gnomAD compares: Non-Finnish European, 0.000085%; no homozygotes.

Submission:

Labcorp Genetics (formerly Invitae), Labcorp
Classification: Uncertain significance. Last evaluated: 2024-07-30. Review status: criteria provided, single submitter. Criteria: Invitae Variant Classification Sherloc (09022015). Collection method: clinical testing. Allele origin: germline.
Comment: This sequence change replaces lysine, which is basic and polar, with asparagine, which is neutral and polar, at codon 417 of the KCNQ5 protein (p.Lys417Asn). This variant is present in population databases (no rsID available, gnomAD 0.01%). This variant has not been reported in the literature in individuals affected with KCNQ5-related conditions. Advanced modeling of protein sequence and biophysical properties (such as structural, functional, and spatial information, amino acid conservation, physicochemical variation, residue mobility, and thermodynamic stability) performed at Invitae indicates that this missense variant is not expected to disrupt KCNQ5 protein function with a negative predictive value of 95%. In summary, the available evidence is currently insufficient to determine the role of this variant in disease. Therefore, it has been classified as a Variant of Uncertain Significance.